The following is an entry in ClinVar:

ClinVar aggregate classification (germline): Pathogenic. Review status: criteria provided, multiple submitters, no conflicts (2 of 4 stars). 2 submissions from 2 submitters: Pathogenic (2). Last evaluated 2024-06-17.

Conditions:
Neonatal intrahepatic cholestasis due to citrin deficiency (CDNI). Also called: CITRIN DEFICIENCY, NEONATAL OR INFANTILE ONSET; Neonatal-onset citrullinemia type II; Neonatal-onset citrullinemia type 2; Neonatal Intrahepatic Cholestasis Caused by Citrin Deficiency (NICCD). Identifiers: Orphanet 247598, MedGen C1853942, MONDO:0011601, OMIM 605814.
Citrullinemia, type II, adult-onset (CDAA). Also called: CITRIN DEFICIENCY, ADOLESCENT OR ADULT ONSET. Identifiers: Orphanet 247585, MedGen CN295299, MONDO:0011326, OMIM 603471.
Citrin deficiency. Identifiers: Orphanet 247582, MedGen C1997910, MONDO:0016602.

Allele frequency attached by ClinVar (database versions not stated): TOPMed below 0.00001.
gnomAD v4.1: 4 of 1,613,512 alleles (0.00025%); highest among the groups gnomAD compares: Non-Finnish European, 0.00034%; no homozygotes.

Submissions (2):

Fulgent Genetics
Classification: Pathogenic for Citrullinemia, type II, adult-onset; Neonatal intrahepatic cholestasis due to citrin deficiency. Last evaluated: 2024-06-17. Review status: criteria provided, single submitter. Criteria: ACMG Guidelines, 2015. Collection method: clinical testing. Allele origin: germline.

Labcorp Genetics (formerly Invitae), Labcorp
Classification: Pathogenic for Citrin deficiency. Last evaluated: 2022-07-01. Review status: criteria provided, single submitter. Criteria: Invitae Variant Classification Sherloc (09022015). Collection method: clinical testing. Allele origin: germline.
Comment: For these reasons, this variant has been classified as Pathogenic. ClinVar contains an entry for this variant (Variation ID: 860951). This variant has not been reported in the literature in individuals affected with SLC25A13-related conditions. This variant is not present in population databases (gnomAD no frequency). This sequence change creates a premature translational stop signal (p.Leu399*) in the SLC25A13 gene. It is expected to result in an absent or disrupted protein product. Loss-of-function variants in SLC25A13 are known to be pathogenic (PMID: 10369257, 14680984, 27405544).

Literature cited by the submitters: PubMed 10369257 (cited by Labcorp Genetics (formerly Invitae), Labcorp); PubMed 14680984 (cited by Labcorp Genetics (formerly Invitae), Labcorp); PubMed 27405544 (cited by Labcorp Genetics (formerly Invitae), Labcorp).

NM_014251.3(SLC25A13):c.1196T>A (p.Leu399Ter)

Gene: SLC25A13 (solute carrier family 25 member 13; minus strand). Cytogenetic location: 7q21.3.
Variant type: single nucleotide variant.
Coding change: c.1196T>A on transcript NM_014251.3 (MANE Select); coding-DNA position 1196, T replaced by A.
Protein change: p.Leu399Ter; replaces leucine 399 with a stop codon.
Molecular consequence: nonsense. On other transcripts: non-coding transcript variant (1).
Genome position (GRCh38, 1-based): chr7:96,171,506, A>T on the plus strand (T>A on the coding strand, the complement: SLC25A13 is on the minus strand). VCF-style: chr7-96171506-A-T. GRCh37 (hg19) VCF-style: chr7-95800818-A-T.
Other names: c.1199T>A, p.Leu400Ter (NM_001160210.2); short protein forms L399*, L400*.
Identifiers: ClinVar variation 860951 (VCV000860951.8), dbSNP rs1004549438, ClinGen allele CA162986038.
Genomic context (GRCh38, chr7:96,171,506, plus strand): 5'-AAGAAGCACCAACTCAAAAGACTTACTGTAAGTTTTATGGCCTTCTCTGGGGCAACTCCC[A>T]ATAACTGTGGCAACAGACCTAAAAATCAACAAAAAGTAGAAGTATATTAAATAAATTAGC-3'